The following is an entry in ClinVar:

ClinVar aggregate classification (germline): Uncertain significance. Review status: criteria provided, multiple submitters, no conflicts (2 of 4 stars). 2 submissions from 2 submitters: Uncertain significance (2). Last evaluated 2025-12-10.

Conditions:
Hereditary nonpolyposis colorectal neoplasms. Identifiers: MedGen C0009405, MeSH D003123.
Hereditary cancer-predisposing syndrome. Also called: Neoplastic Syndromes, Hereditary; Tumor predisposition; Hereditary Cancer Syndrome; Hereditary neoplastic syndrome. Identifiers: Orphanet 140162, MedGen C0027672, MeSH D009386, MONDO:0015356.

Submissions (2):

Labcorp Genetics (formerly Invitae), Labcorp
Classification: Uncertain significance for Hereditary nonpolyposis colorectal neoplasms. Last evaluated: 2025-12-10. Review status: criteria provided, single submitter. Criteria: Invitae Variant Classification Sherloc (09022015). Collection method: clinical testing. Allele origin: germline.
Comment: This sequence change replaces valine, which is neutral and non-polar, with glycine, which is neutral and non-polar, at codon 127 of the MSH6 protein (p.Val127Gly). This variant is not present in population databases (gnomAD no frequency). This variant has not been reported in the literature in individuals affected with MSH6-related conditions. ClinVar contains an entry for this variant (Variation ID: 1735147). Invitae Evidence Modeling of protein sequence and biophysical properties (such as structural, functional, and spatial information, amino acid conservation, physicochemical variation, residue mobility, and thermodynamic stability) indicates that this missense variant is not expected to disrupt MSH6 protein function with a negative predictive value of 95%. In summary, the available evidence is currently insufficient to determine the role of this variant in disease. Therefore, it has been classified as a Variant of Uncertain Significance.

Ambry Genetics
Classification: Uncertain significance for Hereditary cancer-predisposing syndrome. Last evaluated: 2021-07-16. Review status: criteria provided, single submitter. Criteria: Ambry Variant Classification Scheme 2023. Collection method: clinical testing. Allele origin: germline.
Comment: The p.V127G variant (also known as c.380T>G), located in coding exon 2 of the MSH6 gene, results from a T to G substitution at nucleotide position 380. The valine at codon 127 is replaced by glycine, an amino acid with dissimilar properties. This amino acid position is not well conserved in available vertebrate species. In addition, this alteration is predicted to be tolerated by in silico analysis. Since supporting evidence is limited at this time, the clinical significance of this alteration remains unclear.

NM_000179.3(MSH6):c.380T>G (p.Val127Gly)

Gene: MSH6 (mutS homolog 6; plus strand). Cytogenetic location: 2p16.3.
Variant type: single nucleotide variant.
Coding change: c.380T>G on transcript NM_000179.3 (MANE Select); coding-DNA position 380, T replaced by G.
Protein change: p.Val127Gly; replaces valine 127 with glycine.
Molecular consequence: missense variant. On other transcripts: 5 prime UTR variant (2), intron variant (1).
Genome position (GRCh38, 1-based): chr2:47,791,046, T>G. VCF-style: chr2-47791046-T-G. GRCh37 (hg19) VCF-style: chr2-48018185-T-G.
Other names: c.-357T>G (NM_001281493.2, NM_001406811.1, NM_001406823.1 and 1 more transcripts); c.-523T>G (NM_001281494.2); c.476T>G, p.Val159Gly (NM_001406795.1, NM_001406802.1); c.380T>G, p.Val127Gly (NM_001406796.1, NM_001406798.1, NM_001406800.1 and 6 more transcripts); c.83T>G, p.Val28Gly (NM_001406797.1, NM_001406801.1, NM_001406805.1 and 10 more transcripts); c.302T>G, p.Val101Gly (NM_001406804.1); c.-549T>G (NM_001406807.1); c.-615T>G (NM_001406814.1); and 2 more; short protein forms V127G, V159G, V101G, V28G, V71G.
Identifiers: ClinVar variation 1735147 (VCV001735147.5), dbSNP rs1668695908, ClinGen allele CA346737049.